The following is an entry in ClinVar:

ClinVar aggregate classification (germline): Benign/Likely benign. Review status: criteria provided, multiple submitters, no conflicts (2 of 4 stars). 3 submissions from 3 submitters: Benign (1); Likely benign (1). 1 of the submissions does not count toward it. Last evaluated 2025-12-18.

Conditions:
Hearing loss, autosomal dominant 78. Also called: DEAFNESS, AUTOSOMAL DOMINANT 78. Identifiers: MedGen C5436768, MONDO:0033665, OMIM 619081.
Delpire-McNeill syndrome. Also called: SLC12A2-related autosomal dominant infantile-developmental delay-intellectual disability-sensorineural deafness syndrome. Identifiers: Orphanet 633024, MedGen C5436771, MONDO:0033667, OMIM 619083.
Kilquist syndrome (KILQS). Also called: SLC12A2-related autosomal recessive neonatal-developmental delay-intellectual disability-feeding difficulty-sensorineural deafness syndrome. Identifiers: Orphanet 633021, MedGen C5436756, MONDO:0033664, OMIM 619080.
SLC12A2-related disorder. Also called: SLC12A2-related condition; SLC12A2-related disorders.

Allele frequency attached by ClinVar (database versions not stated): 1000 Genomes Project 0.00060; gnomAD 0.00063 and 0.00068; 1000 Genomes Project 30x 0.00125; TOPMed 0.00055; gnomAD exomes 0.00005.
gnomAD v4.1: 156 of 1,283,040 alleles (0.012%); highest among the groups gnomAD compares: African/African-American, 0.24%; no homozygotes.

Submissions (3):

Labcorp Genetics (formerly Invitae), Labcorp
Classification: Benign. Last evaluated: 2025-12-18. Review status: criteria provided, single submitter. Criteria: Invitae Variant Classification Sherloc (09022015). Collection method: clinical testing. Allele origin: germline.

Fulgent Genetics
Classification: Likely benign for Kilquist syndrome; Hearing loss, autosomal dominant 78; Delpire-McNeill syndrome. Last evaluated: 2022-03-25. Review status: criteria provided, single submitter. Criteria: ACMG Guidelines, 2015. Collection method: clinical testing. Allele origin: unknown.

PreventionGenetics, part of Exact Sciences
Classification: Likely benign for SLC12A2-related condition. Last evaluated: 2023-02-26. Review status: no assertion criteria provided. Collection method: clinical testing. Allele origin: germline. Not counted in ClinVar's aggregate classification.
Comment: This variant is classified as likely benign based on ACMG/AMP sequence variant interpretation guidelines (Richards et al. 2015 PMID: 25741868, with internal and published modifications).

NM_001046.3(SLC12A2):c.261C>T (p.Ser87=)

Genes: SLC12A2 (solute carrier family 12 member 2; plus strand), LOC129994526 (ATAC-STARR-seq lymphoblastoid silent region 16295; plus strand). Cytogenetic location: 5q23.3.
Variant type: single nucleotide variant.
Coding change: c.261C>T on transcript NM_001046.3 (MANE Select); coding-DNA position 261, C replaced by T.
Protein change: p.Ser87=; no amino-acid change (serine 87 retained).
Molecular consequence: synonymous variant. On other transcripts: non-coding transcript variant (1).
Genome position (GRCh38, 1-based): chr5:128,084,215, C>T. VCF-style: chr5-128084215-C-T. GRCh37 (hg19) VCF-style: chr5-127419907-C-T.
Other names: c.261C>T (NM_001046.2); c.261C>T, p.Ser87= (NM_001256461.2).
Identifiers: ClinVar variation 1532036 (VCV001532036.10), dbSNP rs543480974, ClinGen allele CA126980319.